The following is an entry in ClinVar:

ClinVar aggregate classification (germline): Uncertain significance (1 of 4 stars; one submission).

Conditions:
Klippel-Feil anomaly-myopathy-facial dysmorphism syndrome. Also called: Klippel-feil syndrome 4, autosomal recessive, with nemaline myopathy and facial dysmorphism; Klippel-Feil syndrome 4, autosomal recessive, with myopathy and facial dysmorphism. Identifiers: Orphanet 447974, MedGen C4225285, MONDO:0014689, OMIM 616549.

gnomAD v4.1: 28 of 152,296 alleles (0.018%); highest among the groups gnomAD compares: East Asian, 0.097%; no homozygotes.

Submission:

Juno Genomics, Hangzhou Juno Genomics, Inc
Classification: Uncertain significance for Klippel-Feil anomaly-myopathy-facial dysmorphism syndrome. Review status: criteria provided, single submitter. Criteria: ACMG Guidelines, 2015. Collection method: clinical testing. Allele origin: germline.
Comment: Absent from controls (or at extremely low frequency if recessive) in Genome Aggregation Database.;Multiple lines of computational evidence support a deleterious effect on the gene or gene product.

NM_032608.7(MYO18B):c.198+1469C>T

Gene: MYO18B (myosin XVIIIB; plus strand). Cytogenetic location: 22q12.1.
Variant type: single nucleotide variant.
Coding change: c.198+1469C>T on transcript NM_032608.7 (MANE Select); 1469 bases into the intron after coding-DNA position 198, C replaced by T.
Molecular consequence: intron variant.
Genome position (GRCh38, 1-based): chr22:25,764,858, C>T. VCF-style: chr22-25764858-C-T. GRCh37 (hg19) VCF-style: chr22-26160825-C-T.
Other names: c.198+1469C>T (NM_001318245.2).
Identifiers: ClinVar variation 5006470 (VCV005006470.2).
Genomic context (GRCh38, chr22:25,764,858, plus strand): 5'-CTTTGCTGCTCATGGGCTCATTTAATACCCCGTGCAGCAATGCAGGTGGATGGGATTCTA[C>T]CCATTTATCACAGGTGGAGACTGAGGCCAAAAGAGGTCAAGTGATTTTCCCAAGGTCATC-3'